The following is an entry in ClinVar:

ClinVar aggregate classification (germline): Uncertain significance (1 of 4 stars; one submission).

Conditions:
Hyper-IgM syndrome type 5 (HIGM5). Also called: Hyper-IgM Immunodeficiency Syndrome, Type 5. Identifiers: Orphanet 101092, MedGen C1720958, MONDO:0011971, OMIM 608106.

Allele frequency attached by ClinVar (database versions not stated): gnomAD exomes 0.00002 and 0.00003; ExAC 0.00006; gnomAD 0.00024 and 0.00026; TOPMed 0.00026; ESP Exome Variant Server 0.00050; 1000 Genomes Project 0.00060; 1000 Genomes Project 30x 0.00078.
gnomAD v4.1: 70 of 1,546,588 alleles (0.0045%); highest among the groups gnomAD compares: African/African-American, 0.088%; no homozygotes.

Submission:

Labcorp Genetics (formerly Invitae), Labcorp
Classification: Uncertain significance for Hyper-IgM syndrome type 5. Last evaluated: 2022-07-19. Review status: criteria provided, single submitter. Criteria: Invitae Variant Classification Sherloc (09022015). Collection method: clinical testing. Allele origin: germline.
Comment: This sequence change replaces aspartic acid, which is acidic and polar, with histidine, which is basic and polar, at codon 42 of the UNG protein (p.Asp42His). This variant is present in population databases (rs377203641, gnomAD 0.08%). This variant has not been reported in the literature in individuals affected with UNG-related conditions. ClinVar contains an entry for this variant (Variation ID: 947290). Algorithms developed to predict the effect of missense changes on protein structure and function (SIFT, PolyPhen-2, Align-GVGD) all suggest that this variant is likely to be tolerated. In summary, the available evidence is currently insufficient to determine the role of this variant in disease. Therefore, it has been classified as a Variant of Uncertain Significance.

NM_080911.3(UNG):c.124G>C (p.Asp42His)

Genes: UNG (uracil DNA glycosylase; plus strand), LOC130008712 (ATAC-STARR-seq lymphoblastoid silent region 4838; plus strand). Cytogenetic location: 12q24.11.
Variant type: single nucleotide variant.
Coding change: c.124G>C on transcript NM_080911.3 (MANE Select); coding-DNA position 124, G replaced by C.
Protein change: p.Asp42His; replaces aspartic acid 42 with histidine.
Molecular consequence: missense variant.
Genome position (GRCh38, 1-based): chr12:109,097,803, G>C. VCF-style: chr12-109097803-G-C. GRCh37 (hg19) VCF-style: chr12-109535608-G-C.
Other names: short protein forms D42H.
Identifiers: ClinVar variation 947290 (VCV000947290.7), dbSNP rs377203641, ClinGen allele CA6772452.